The following is an entry in ClinVar:

NM_000256.3(MYBPC3):c.3227_3233del (p.Asp1076fs)

Gene: MYBPC3 (myosin binding protein C3; minus strand). Cytogenetic location: 11p11.2.
Variant type: Deletion.
Coding change: c.3227_3233del on transcript NM_000256.3 (MANE Select); coding-DNA positions 3227 to 3233, 7 bases deleted (ACGCCTG; older notation c.3227_3233delACGCCTG).
Protein change: p.Asp1076fs; shifts the reading frame from aspartic acid 1076.
Molecular consequence: frameshift variant.
Genome position (GRCh38, 1-based): chr11:47,333,291-47,333,297, CAGGCGT deleted on the plus strand (ACGCCTG on the coding strand, the reverse complement: MYBPC3 is on the minus strand); deleting any 7 consecutive bases within chr11:47,333,291-47,333,300 gives the same sequence; the c. name uses the placement nearest the transcript's 3' end. VCF-style (leftmost placement, unchanged base first): chr11-47333290-CCAGGCGT-C. GRCh37 (hg19) VCF-style: chr11-47354841-CCAGGCGT-C.
Other names: short protein forms D1076fs.
Identifiers: ClinVar variation 1709166 (VCV001709166.3), dbSNP rs2495740224, ClinGen allele CA2580084229.

ClinVar aggregate classification (germline): Likely pathogenic. Review status: criteria provided, multiple submitters, no conflicts (2 of 4 stars). 2 submissions from 2 submitters: Likely pathogenic (2). Last evaluated 2022-02-25.

Conditions:
Cardiovascular phenotype. Identifiers: MedGen CN230736.
Hypertrophic cardiomyopathy 4. Also called: Familial hypertrophic cardiomyopathy 4. Identifiers: MedGen C1861862, MONDO:0007268, OMIM 115197.

Submissions (2):

Molecular Diagnostic Laboratory for Inherited Cardiovascular Disease, Montreal Heart Institute
Classification: Likely pathogenic for Cardiovascular phenotype. Last evaluated: 2022-02-25. Review status: criteria provided, single submitter. Criteria: ACMG Guidelines, 2015. Collection method: clinical testing. Allele origin: germline. Affected: yes.

MGZ Medical Genetics Center
Classification: Likely pathogenic for Hypertrophic cardiomyopathy 4. Last evaluated: 2022-02-14. Review status: criteria provided, single submitter. Criteria: ACMG Guidelines, 2015. Collection method: clinical testing. Allele origin: germline. Affected: yes. Observed: 1 variant allele.
Comment: ACMG criteria applied: PVS1, PM2_SUP